The following is an entry in ClinVar:

ClinVar aggregate classification (germline): Uncertain significance (1 of 4 stars; one submission).

gnomAD v4.1: 1 of 1,613,634 alleles (0.000062%); highest among the groups gnomAD compares: Non-Finnish European, 0.000085%; no homozygotes.

Submission:

Mayo Clinic Laboratories, Mayo Clinic
Classification: Uncertain significance. Last evaluated: 2024-07-25. Review status: criteria provided, single submitter. Criteria: ACMG Guidelines, 2015. Collection method: clinical testing. Allele origin: germline. Observed: 1 variant allele.
Comment: PM2

NM_015896.4(ZMYND10):c.427C>A (p.Arg143Ser)

Gene: ZMYND10 (zinc finger MYND-type containing 10; minus strand). Cytogenetic location: 3p21.31.
Variant type: single nucleotide variant.
Coding change: c.427C>A on transcript NM_015896.4 (MANE Select); coding-DNA position 427, C replaced by A.
Protein change: p.Arg143Ser; replaces arginine 143 with serine.
Molecular consequence: missense variant.
Genome position (GRCh38, 1-based): chr3:50,343,390, G>T on the plus strand (C>A on the coding strand, the complement: ZMYND10 is on the minus strand). VCF-style: chr3-50343390-G-T. GRCh37 (hg19) VCF-style: chr3-50380821-G-T.
Other names: p.Arg143Ser; c.427C>A, p.Arg143Ser (NM_001308379.2); short protein forms R143S.
Identifiers: ClinVar variation 3379471 (VCV003379471.1).